The following is an entry in ClinVar:

ClinVar aggregate classification (germline): Uncertain significance (1 of 4 stars; one submission).

Conditions:
Combined immunodeficiency due to LRBA deficiency. Also called: Common variable immunodeficiency 8, with autoimmunity. Identifiers: Orphanet 445018, MedGen C3553512, MONDO:0013863, OMIM 614700.

Submission:

Labcorp Genetics (formerly Invitae), Labcorp
Classification: Uncertain significance for Combined immunodeficiency due to LRBA deficiency. Last evaluated: 2025-09-29. Review status: criteria provided, single submitter. Criteria: Invitae Variant Classification Sherloc (09022015). Collection method: clinical testing. Allele origin: germline.
Comment: This sequence change replaces glutamic acid, which is acidic and polar, with glutamine, which is neutral and polar, at codon 2718 of the LRBA protein (p.Glu2718Gln). This variant also falls at the last nucleotide of exon 55, which is part of the consensus splice site for this exon. This variant is not present in population databases (gnomAD no frequency). This variant has not been reported in the literature in individuals affected with LRBA-related conditions. An algorithm developed to predict the effect of missense changes on protein structure and function (PolyPhen-2) suggests that this variant is likely to be disruptive. Variants that disrupt the consensus splice site are a relatively common cause of aberrant splicing (PMID: 17576681, 9536098). Algorithms developed to predict the effect of sequence changes on RNA splicing suggest that this variant may disrupt the consensus splice site. In summary, the available evidence is currently insufficient to determine the role of this variant in disease. Therefore, it has been classified as a Variant of Uncertain Significance.

Literature cited by the submitters: PubMed 17576681; PubMed 9536098.

NM_001364905.1(LRBA):c.8119G>C (p.Glu2707Gln)

Gene: LRBA (LPS responsive beige-like anchor protein; minus strand). Cytogenetic location: 4q31.3.
Variant type: single nucleotide variant.
Coding change: c.8119G>C on transcript NM_001364905.1 (MANE Select); coding-DNA position 8119, G replaced by C.
Protein change: p.Glu2707Gln; replaces glutamic acid 2707 with glutamine.
Molecular consequence: missense variant.
Genome position (GRCh38, 1-based): chr4:150,285,933, C>G on the plus strand (G>C on the coding strand, the complement: LRBA is on the minus strand). VCF-style: chr4-150285933-C-G. GRCh37 (hg19) VCF-style: chr4-151207085-C-G.
Other names: c.8116G>C, p.Glu2706Gln (NM_001199282.3); c.8134G>C, p.Glu2712Gln (NM_001367550.1, NM_001440431.1); c.8167G>C, p.Glu2723Gln (NM_001440430.1); c.1837G>C, p.Glu613Gln (NM_001440432.1); c.1831G>C, p.Glu611Gln (NM_001440433.1); c.8152G>C, p.Glu2718Gln (NM_006726.5); short protein forms E2706Q, E2707Q, E2712Q, E2718Q, E2723Q, E611Q, E613Q.
Identifiers: ClinVar variation 4806650 (VCV004806650.1).
Genomic context (GRCh38, chr4:150,285,933, plus strand): 5'-AATTTGTTTCTAGAAGACAGCAAGAAATGCATCCATTTTGTGAAGGTACCACAGGTTTAC[C>G]TTGTGAACCACTCAACACCAGGCCTAGCTCCGCACACACCGCAGCACATGTGACCTCATA-3'
Protein context (NP_001351834.1, residues 2697-2717): ELGLVLSGSQ[Glu2707Gln]GPCLIHSMNG